The following is an entry in ClinVar:

NM_000178.4(GSS):c.461G>T (p.Gly154Val)

Gene: GSS (glutathione synthetase; minus strand). Cytogenetic location: 20q11.22.
Variant type: single nucleotide variant.
Coding change: c.461G>T on transcript NM_000178.4 (MANE Select); coding-DNA position 461, G replaced by T.
Protein change: p.Gly154Val; replaces glycine 154 with valine.
Molecular consequence: missense variant.
Genome position (GRCh38, 1-based): chr20:34,942,518, C>A on the plus strand (G>T on the coding strand, the complement: GSS is on the minus strand). VCF-style: chr20-34942518-C-A. GRCh37 (hg19) VCF-style: chr20-33530321-C-A.
Other names: p.Gly154Val; c.461G>T, p.Gly154Val (NM_001322494.1, NM_001322495.1); short protein forms G154V.
Identifiers: ClinVar variation 2683543 (VCV002683543.1), dbSNP rs2519032304, ClinGen allele CA408704263.

ClinVar aggregate classification (germline): Uncertain significance (1 of 4 stars; one submission).

Allele frequency attached by ClinVar (database versions not stated): gnomAD exomes below 0.00001.
gnomAD v4.1: 1 of 1,613,822 alleles (0.000062%); highest among the groups gnomAD compares: African/African-American, 0.0013%; no homozygotes.

Submission:

Mayo Clinic Laboratories, Mayo Clinic
Classification: Uncertain significance. Last evaluated: 2023-05-10. Review status: criteria provided, single submitter. Criteria: ACMG Guidelines, 2015. Collection method: clinical testing. Allele origin: germline. Observed: 1 variant allele.
Comment: PP3, PM2